The following is an entry in ClinVar:

ClinVar aggregate classification (germline): Pathogenic. Review status: criteria provided, multiple submitters, no conflicts (2 of 4 stars). 2 submissions from 2 submitters: Pathogenic (2). Last evaluated 2025-07-03.

Conditions:
Hereditary thrombocytopenia and hematological cancer predisposition syndrome associated with RUNX1. Also called: Familial Platelet Disorder with Propensity to Acute Myelogenous Leukemia; Familial thrombocytopenia with propensity to acute myelogenous leukemia; PLATELET DISORDER, ASPIRIN-LIKE; RUNX1 Familial Platelet Disorder with Associated Myeloid Malignancies. Identifiers: Orphanet 71290, MedGen C1832388, MeSH C563324, MONDO:0100083, OMIM 601399.
Inborn genetic diseases. Identifiers: MedGen C0950123, MeSH D030342.

Submissions (2):

Ambry Genetics
Classification: Pathogenic for Inborn genetic diseases. Last evaluated: 2025-07-03. Review status: criteria provided, single submitter. Criteria: Ambry Variant Classification Scheme 2023. Collection method: clinical testing. Allele origin: germline.
Comment: The c.251_263dup13 pathogenic mutation, located in coding exon 3 of the RUNX1 gene, results from a duplication of ACCACCCGGGCGA at nucleotide position 251, causing a translational frameshift with a predicted alternate stop codon (p.L89Pfs*53). This variant is considered to be rare based on population cohorts in the Genome Aggregation Database (gnomAD). This alteration is expected to result in loss of function by premature protein truncation or nonsense-mediated mRNA decay. As such, this alteration is interpreted as a disease-causing mutation.

Labcorp Genetics (formerly Invitae), Labcorp
Classification: Pathogenic for Hereditary thrombocytopenia and hematological cancer predisposition syndrome associated with RUNX1. Last evaluated: 2025-06-03. Review status: criteria provided, single submitter. Criteria: Invitae Variant Classification Sherloc (09022015). Collection method: clinical testing. Allele origin: germline.
Comment: This sequence change creates a premature translational stop signal (p.Leu89Profs*53) in the RUNX1 gene. It is expected to result in an absent or disrupted protein product. Loss-of-function variants in RUNX1 are known to be pathogenic (PMID: 18723428, 24100448). This variant is not present in population databases (gnomAD no frequency). This variant has not been reported in the literature in individuals affected with RUNX1-related conditions. For these reasons, this variant has been classified as Pathogenic.

Literature cited by the submitters: PubMed 18723428 (cited by Labcorp Genetics (formerly Invitae), Labcorp); PubMed 24100448 (cited by Labcorp Genetics (formerly Invitae), Labcorp).

NM_001754.5(RUNX1):c.251_263dup (p.Leu89fs)

Gene: RUNX1 (RUNX family transcription factor 1; minus strand). Cytogenetic location: 21q22.12.
Variant type: Duplication.
Coding change: c.251_263dup on transcript NM_001754.5 (MANE Select); coding-DNA positions 251 to 263, 13 bases duplicated (ACCACCCGGGCGA).
Protein change: p.Leu89fs; shifts the reading frame from leucine 89.
Molecular consequence: frameshift variant.
Genome position (GRCh38, 1-based): chr21:34,886,931-34,886,943, TCGCCCGGGTGGT duplicated on the plus strand (ACCACCCGGGCGA on the coding strand, the reverse complement: RUNX1 is on the minus strand). VCF-style (leftmost placement, unchanged base first): chr21-34886930-C-CTCGCCCGGGTGGT. GRCh37 (hg19) VCF-style: chr21-36259227-C-CTCGCCCGGGTGGT.
Other names: c.251_263dupACCACCCGGGCGA (NM_001754.4); c.170_182dup, p.Leu62fs (NM_001001890.3, NM_001122607.2); short protein forms L89fs, L62fs.
Identifiers: ClinVar variation 4158174 (VCV004158174.2).
Genomic context (GRCh38, chr21:34,886,930, plus strand): 5'-GCAGCGCCAGTGCGTAGGCAGCACGGAGCAGAGGAAGTTGGGGCTGTCGGTGCGCACCAG[C>CTCGCCCGGGTGGT]TCGCCCGGGTGGTCGGCCAGCACCTCCACCATGCTGCGGTCGCCGCTCCTCAGCTTGCCG-3'